The following is an entry in ClinVar:

NM_024675.4(PALB2):c.2169G>A (p.Met723Ile)

Gene: PALB2 (partner and localizer of BRCA2; minus strand). Cytogenetic location: 16p12.2.
Variant type: single nucleotide variant.
Coding change: c.2169G>A on transcript NM_024675.4 (MANE Select); coding-DNA position 2169, G replaced by A.
Protein change: p.Met723Ile; replaces methionine 723 with isoleucine.
Molecular consequence: missense variant. On other transcripts: intron variant (1).
Genome position (GRCh38, 1-based): chr16:23,629,985, C>T on the plus strand (G>A on the coding strand, the complement: PALB2 is on the minus strand). VCF-style: chr16-23629985-C-T. GRCh37 (hg19) VCF-style: chr16-23641306-C-T.
Other names: c.2109G>A, p.Met703Ile (NM_001407296.1); c.2169G>A, p.Met723Ile (NM_001407297.1, NM_001407298.1, NM_001407299.1 and 3 more transcripts); c.1284G>A, p.Met428Ile (NM_001407304.1, NM_001407305.1, NM_001407306.1 and 5 more transcripts); c.381G>A, p.Met127Ile (NM_001407312.1, NM_001407313.1); c.49-710G>A (NM_001407314.1); short protein forms M127I, M428I, M703I, M723I.
Identifiers: ClinVar variation 2774007 (VCV002774007.5), dbSNP rs2142379245, ClinGen allele CA395125658.

ClinVar aggregate classification (germline): Conflicting classifications of pathogenicity. Review status: criteria provided, conflicting classifications (1 of 4 stars). 3 submissions from 3 submitters: Uncertain significance (2); Likely benign (1). Last evaluated 2026-01-10.

Conditions:
Hereditary cancer-predisposing syndrome. Also called: Hereditary neoplastic syndrome; Hereditary Cancer Syndrome; Neoplastic Syndromes, Hereditary; Tumor predisposition. Identifiers: Orphanet 140162, MedGen C0027672, MeSH D009386, MONDO:0015356.
Familial cancer of breast. Also called: hereditary breast carcinoma; BREAST CANCER, FAMILIAL; Hereditary breast cancer. Identifiers: Orphanet 227535, MedGen C0346153, MONDO:0016419, OMIM 114480. Disease mechanism: loss of function.

Submissions (3):

Labcorp Genetics (formerly Invitae), Labcorp
Classification: Uncertain significance for Familial cancer of breast. Last evaluated: 2026-01-10. Review status: criteria provided, single submitter. Criteria: Invitae Variant Classification Sherloc (09022015). Collection method: clinical testing. Allele origin: germline.
Comment: This sequence change replaces methionine, which is neutral and non-polar, with isoleucine, which is neutral and non-polar, at codon 723 of the PALB2 protein (p.Met723Ile). This variant is not present in population databases (gnomAD no frequency). This variant has not been reported in the literature in individuals affected with PALB2-related conditions. ClinVar contains an entry for this variant (Variation ID: 2774007). Invitae Evidence Modeling of protein sequence and biophysical properties (such as structural, functional, and spatial information, amino acid conservation, physicochemical variation, residue mobility, and thermodynamic stability) indicates that this missense variant is not expected to disrupt PALB2 protein function with a negative predictive value of 80%. In summary, the available evidence is currently insufficient to determine the role of this variant in disease. Therefore, it has been classified as a Variant of Uncertain Significance.

Ambry Genetics
Classification: Likely benign for Hereditary cancer-predisposing syndrome. Last evaluated: 2025-07-02. Review status: criteria provided, single submitter. Criteria: Ambry Variant Classification Scheme 2023. Collection method: clinical testing. Allele origin: germline.

Color Diagnostics, LLC DBA Color Health
Classification: Uncertain significance for Hereditary cancer-predisposing syndrome. Last evaluated: 2023-07-17. Review status: criteria provided, single submitter. Criteria: ACMG Guidelines, 2015. Collection method: clinical testing. Allele origin: germline.
Comment: This missense variant replaces methionine with isoleucine at codon 723 of the PALB2 protein. Computational prediction suggests that this variant may not impact protein structure and function (internally defined REVEL score threshold <= 0.5, PMID: 27666373). To our knowledge, functional studies have not been reported for this variant. This variant has not been reported in individuals affected with PALB2-related disorders in the literature. This variant has not been identified in the general population by the Genome Aggregation Database (gnomAD). The available evidence is insufficient to determine the role of this variant in disease conclusively. Therefore, this variant is classified as a Variant of Uncertain Significance.